The following is an entry in ClinVar:

NM_001282717.2(STAG3):c.3409C>G (p.Gln1137Glu)

Gene: STAG3 (STAG3 cohesin complex component; plus strand). Cytogenetic location: 7q22.1.
Variant type: single nucleotide variant.
Coding change: c.3409C>G on transcript NM_001282717.2 (MANE Select); coding-DNA position 3409, C replaced by G.
Protein change: p.Gln1137Glu; replaces glutamine 1137 with glutamic acid.
Molecular consequence: missense variant. On other transcripts: non-coding transcript variant (1).
Genome position (GRCh38, 1-based): chr7:100,211,181, C>G. VCF-style: chr7-100211181-C-G. GRCh37 (hg19) VCF-style: chr7-99808804-C-G.
Other names: c.3409C>G, p.Gln1137Glu (NM_001282716.1, NM_001375438.1, NM_012447.4); c.3235C>G, p.Gln1079Glu (NM_001282718.2); short protein forms Q1079E, Q1137E.
Identifiers: ClinVar variation 2657745 (VCV002657745.24), dbSNP rs758216185, ClinGen allele CA4379032.

ClinVar aggregate classification (germline): Likely benign (1 of 4 stars; one submission).

Allele frequency attached by ClinVar (database versions not stated): ExAC 0.00001; gnomAD exomes 0.00001.
gnomAD v4.1: 9 of 1,575,614 alleles (0.00057%); highest among the groups gnomAD compares: Non-Finnish European, 0.00077%; no homozygotes.

Submission:

CeGaT Center for Human Genetics Tuebingen
Classification: Likely benign. Last evaluated: 2023-01-01. Review status: criteria provided, single submitter. Criteria: CeGaT Center For Human Genetics Tuebingen Variant Classification Criteria Version 2. Collection method: clinical testing. Allele origin: germline. Affected: yes. Observed: 1 variant allele.
Comment: STAG3: BP4